The following is an entry in ClinVar:

ClinVar aggregate classification (germline): Uncertain significance (1 of 4 stars; one submission).

Conditions:
Early-infantile DEE. Also called: Early infantile epileptic encephalopathy; Ohtahara syndrome; Early infantile epileptic encephalopathy with suppression bursts. Identifiers: Orphanet 1934, MedGen C0393706, MONDO:0800491.

Submission:

Labcorp Genetics (formerly Invitae), Labcorp
Classification: Uncertain significance for Early-infantile DEE. Last evaluated: 2022-07-19. Review status: criteria provided, single submitter. Criteria: Invitae Variant Classification Sherloc (09022015). Collection method: clinical testing. Allele origin: germline.
Comment: This sequence change replaces isoleucine, which is neutral and non-polar, with leucine, which is neutral and non-polar, at codon 1551 of the SCN1A protein (p.Ile1551Leu). In summary, the available evidence is currently insufficient to determine the role of this variant in disease. Therefore, it has been classified as a Variant of Uncertain Significance. Advanced modeling of protein sequence and biophysical properties (such as structural, functional, and spatial information, amino acid conservation, physicochemical variation, residue mobility, and thermodynamic stability) performed at Invitae indicates that this missense variant is expected to disrupt SCN1A protein function. ClinVar contains an entry for this variant (Variation ID: 1502881). This variant has not been reported in the literature in individuals affected with SCN1A-related conditions. This variant is not present in population databases (gnomAD no frequency).

NM_001165963.4(SCN1A):c.4651A>C (p.Ile1551Leu)

Genes: SCN1A (sodium voltage-gated channel alpha subunit 1; minus strand), LOC102724058 (uncharacterized LOC102724058; plus strand). Cytogenetic location: 2q24.3.
Variant type: single nucleotide variant.
Coding change: c.4651A>C on transcript NM_001165963.4 (MANE Select); coding-DNA position 4651, A replaced by C.
Protein change: p.Ile1551Leu; replaces isoleucine 1551 with leucine.
Molecular consequence: missense variant. On other transcripts: non-coding transcript variant (1).
Genome position (GRCh38, 1-based): chr2:165,994,347, T>G on the plus strand (A>C on the coding strand, the complement: SCN1A is on the minus strand). VCF-style: chr2-165994347-T-G. GRCh37 (hg19) VCF-style: chr2-166850857-T-G.
Other names: c.4567A>C, p.Ile1523Leu (NM_001165964.3, NM_001353957.2, NM_001353958.2); c.4651A>C, p.Ile1551Leu (NM_001202435.3, NM_001353948.2); c.4618A>C, p.Ile1540Leu (NM_001353949.2, NM_001353950.2, NM_001353951.2 and 2 more transcripts); c.4615A>C, p.Ile1539Leu (NM_001353954.2, NM_001353955.2); c.4564A>C, p.Ile1522Leu (NM_001353960.2); c.2209A>C, p.Ile737Leu (NM_001353961.2); short protein forms I1522L, I1523L, I1540L, I1551L, I1539L, I737L.
Identifiers: ClinVar variation 1502881 (VCV001502881.9), dbSNP rs1553521053, ClinGen allele CA349072226.